The following is an entry in ClinVar:

NM_000059.4(BRCA2):c.755del (p.Asp252fs)

Gene: BRCA2 (BRCA2 DNA repair associated; plus strand). Cytogenetic location: 13q13.1.
Variant type: Deletion.
Coding change: c.755del on transcript NM_000059.4 (MANE Select); coding-DNA position 755, one base deleted (A; older notation c.755delA).
Protein change: p.Asp252fs; shifts the reading frame from aspartic acid 252.
Molecular consequence: frameshift variant.
Genome position (GRCh38, 1-based): chr13:32,330,992, A deleted. VCF-style (leftmost placement, unchanged base first): chr13-32330991-GA-G. GRCh37 (hg19) VCF-style: chr13-32905128-GA-G.
Other names: 983delA; c.755delA (NM_000059.3); short protein forms D252fs.
Identifiers: ClinVar variation 52354 (VCV000052354.4), dbSNP rs80359661, ClinGen allele CA025150.

ClinVar aggregate classification (germline): Pathogenic. Review status: reviewed by expert panel (3 of 4 stars). 3 submissions from 3 submitters: Pathogenic (1). 2 of the submissions do not count toward it. Last evaluated 2016-09-08.

Conditions:
Hereditary breast ovarian cancer syndrome. Also called: Hereditary breast and ovarian cancer syndrome; Hereditary breast and ovarian cancer; Hereditary breast and ovarian cancer syndrome (HBOC); Breast and ovarian cancer; Hereditary breast and/or ovarian cancer syndrome; BRCA1- and BRCA2-Associated Hereditary Breast and Ovarian Cancer. Identifiers: Orphanet 145, MedGen C0677776, MeSH D061325, MONDO:0003582. Disease mechanism: loss of function.
Breast-ovarian cancer, familial, susceptibility to, 2 (BROVCA2). Also called: BRCA2 Hereditary Breast and Ovarian Cancer. Identifiers: Orphanet 145, MedGen C2675520, MONDO:0012933, OMIM 612555. Disease mechanism: loss of function.

Submissions (3):

Evidence-based Network for the Interpretation of Germline Mutant Alleles (ENIGMA)
Classification: Pathogenic for Breast-ovarian cancer, familial, susceptibility to, 2. Last evaluated: 2016-09-08. Review status: reviewed by expert panel. Criteria: ENIGMA BRCA1/2 Classification Criteria (2015). Collection method: curation. Allele origin: germline.
Comment: Variant allele predicted to encode a truncated non-functional protein.

Research Molecular Genetics Laboratory, Women's College Hospital, University of Toronto
Classification: Pathogenic for Hereditary breast ovarian cancer syndrome. Last evaluated: 2014-01-31. Review status: no assertion criteria provided. Collection method: research. Allele origin: germline. Affected: yes. Study: The Canadian Open Genetics Repository (COGR). Not counted in ClinVar's aggregate classification.

Breast Cancer Information Core (BIC) (BRCA2)
Classification: Pathogenic for Breast-ovarian cancer, familial 2. Last evaluated: 2004-02-20. Review status: no assertion criteria provided. Collection method: clinical testing. Allele origin: germline. Affected: yes. Observed: 1 variant allele. Not counted in ClinVar's aggregate classification.